The following is an entry in ClinVar:

NM_004168.4(SDHA):c.1332C>G (p.Ala444=)

Gene: SDHA (succinate dehydrogenase complex flavoprotein subunit A; plus strand). Cytogenetic location: 5p15.33.
Variant type: single nucleotide variant.
Coding change: c.1332C>G on transcript NM_004168.4 (MANE Select); coding-DNA position 1332, C replaced by G.
Protein change: p.Ala444=; no amino-acid change (alanine 444 retained).
Molecular consequence: synonymous variant.
Genome position (GRCh38, 1-based): chr5:236,499, C>G. VCF-style: chr5-236499-C-G. GRCh37 (hg19) VCF-style: chr5-236614-C-G.
Other names: c.1188C>G, p.Ala396= (NM_001294332.2); c.1332C>G, p.Ala444= (NM_001330758.2).
Identifiers: ClinVar variation 417267 (VCV000417267.20), dbSNP rs1060505011, ClinGen allele CA16611968.

ClinVar aggregate classification (germline): Benign/Likely benign. Review status: criteria provided, multiple submitters, no conflicts (2 of 4 stars). 5 submissions from 5 submitters: Benign (1); Likely benign (3). 1 of the submissions does not count toward it. Last evaluated 2026-02-03.

Conditions:
SDHA-related disorder. Also called: SDHA-related disorders; SDHA-related condition.
Hereditary cancer-predisposing syndrome. Also called: Neoplastic Syndromes, Hereditary; Hereditary Cancer Syndrome; Tumor predisposition; Hereditary neoplastic syndrome. Identifiers: Orphanet 140162, MedGen C0027672, MeSH D009386, MONDO:0015356.
Mitochondrial complex II deficiency, nuclear type 1. Also called: SUCCINATE CoQ REDUCTASE DEFICIENCY. Identifiers: Orphanet 3208, MedGen C5700310, MONDO:0100294, OMIM 252011.
Pheochromocytoma/paraganglioma syndrome 5. Also called: SDHA-Related Hereditary Paraganglioma-Pheochromocytoma Syndrome; Paragangliomas 5. Identifiers: Orphanet 29072, MedGen C3279992, MONDO:0013602, OMIM 614165.

Allele frequency attached by ClinVar (database versions not stated): gnomAD exomes below 0.00001; TOPMed below 0.00001.
gnomAD v4.1: 1 of 1,614,018 alleles (0.000062%); highest among the groups gnomAD compares: Admixed American, 0.0017%; no homozygotes.

Submissions (5):

Labcorp Genetics (formerly Invitae), Labcorp
Classification: Likely benign for Pheochromocytoma/paraganglioma syndrome 5; Mitochondrial complex II deficiency, nuclear type 1. Last evaluated: 2026-02-03. Review status: criteria provided, single submitter. Criteria: Invitae Variant Classification Sherloc (09022015). Collection method: clinical testing. Allele origin: germline.

Myriad Genetics, Inc.
Classification: Benign for Pheochromocytoma/paraganglioma syndrome 5. Last evaluated: 2025-03-10. Review status: criteria provided, single submitter. Criteria: Myriad Autosomal Dominant, Autosomal Recessive and X-Linked Classification Criteria (2023). Collection method: clinical testing. Allele origin: unknown.
Comment: This variant is considered benign. This variant is a silent/synonymous amino acid change and it is not expected to impact splicing.

Quest Diagnostics Nichols Institute San Juan Capistrano
Classification: Likely benign. Last evaluated: 2025-01-09. Review status: criteria provided, single submitter. Criteria: Quest Diagnostics criteria. Collection method: clinical testing. Allele origin: unknown.

Ambry Genetics
Classification: Likely benign for Hereditary cancer-predisposing syndrome. Last evaluated: 2018-01-09. Review status: criteria provided, single submitter. Criteria: Ambry Variant Classification Scheme 2023. Collection method: clinical testing. Allele origin: germline.

PreventionGenetics, part of Exact Sciences
Classification: Likely benign for SDHA-related condition. Last evaluated: 2019-12-20. Review status: no assertion criteria provided. Collection method: clinical testing. Allele origin: germline. Not counted in ClinVar's aggregate classification.
Comment: This variant is classified as likely benign based on ACMG/AMP sequence variant interpretation guidelines (Richards et al. 2015 PMID: 25741868, with internal and published modifications).